The following is an entry in ClinVar:

ClinVar aggregate classification (germline): Uncertain significance. Review status: criteria provided, multiple submitters, no conflicts (2 of 4 stars). 2 submissions from 2 submitters: Uncertain significance (2). Last evaluated 2025-05-16.

Conditions:
Encephalopathy, acute, infection-induced (herpes-specific), susceptibility to, 1. Also called: Herpes simplex encephalitis, susceptibility to, 1. Identifiers: Orphanet 1930, MedGen C2750180, MONDO:0024563, OMIM 610551.

Allele frequency attached by ClinVar (database versions not stated): TOPMed below 0.00001; gnomAD 0.00001; gnomAD exomes below 0.00001.
gnomAD v4.1: 3 of 1,520,670 alleles (0.0002%); highest among the groups gnomAD compares: African/African-American, 0.0043%; no homozygotes.

Submissions (2):

Ambry Genetics
Classification: Uncertain significance. Last evaluated: 2025-05-16. Review status: criteria provided, single submitter. Criteria: Ambry Variant Classification Scheme 2023. Collection method: clinical testing. Allele origin: germline.

Labcorp Genetics (formerly Invitae), Labcorp
Classification: Uncertain significance for Encephalopathy, acute, infection-induced (herpes-specific), susceptibility to, 1. Last evaluated: 2024-12-09. Review status: criteria provided, single submitter. Criteria: Invitae Variant Classification Sherloc (09022015). Collection method: clinical testing. Allele origin: germline.
Comment: This sequence change replaces glutamic acid with glutamine at codon 45 of the UNC93B1 protein (p.Glu45Gln). The glutamic acid residue is highly conserved and there is a small physicochemical difference between glutamic acid and glutamine. This variant is not present in population databases (gnomAD no frequency). This variant has not been reported in the literature in individuals affected with UNC93B1-related conditions. ClinVar contains an entry for this variant (Variation ID: 1403467). Experimental studies and prediction algorithms are not available or were not evaluated, and the functional significance of this variant is currently unknown. In summary, the available evidence is currently insufficient to determine the role of this variant in disease. Therefore, it has been classified as a Variant of Uncertain Significance.

NM_030930.4(UNC93B1):c.133G>C (p.Glu45Gln)

Genes: UNC93B1 (unc-93B1 regulator of TLR signaling; minus strand), LOC130006235 (ATAC-STARR-seq lymphoblastoid silent region 3653; plus strand). Cytogenetic location: 11q13.2.
Variant type: single nucleotide variant.
Coding change: c.133G>C on transcript NM_030930.4 (MANE Select); coding-DNA position 133, G replaced by C.
Protein change: p.Glu45Gln; replaces glutamic acid 45 with glutamine.
Molecular consequence: missense variant.
Genome position (GRCh38, 1-based): chr11:68,003,762, C>G on the plus strand (G>C on the coding strand, the complement: UNC93B1 is on the minus strand). VCF-style: chr11-68003762-C-G. GRCh37 (hg19) VCF-style: chr11-67771232-C-G.
Other names: c.133G>C (NM_030930.2); short protein forms E45Q.
Identifiers: ClinVar variation 1403467 (VCV001403467.7), dbSNP rs1382458383, ClinGen allele CA381579427.